The following is an entry in ClinVar:

ClinVar aggregate classification (germline): Uncertain significance (1 of 4 stars; one submission).

Conditions:
Familial cold autoinflammatory syndrome 4 (FCAS4). Identifiers: Orphanet 47045, Orphanet 576349, MedGen C4015276, MONDO:0014498, OMIM 616115.
Periodic fever-infantile enterocolitis-autoinflammatory syndrome. Also called: Autoinflammation with infantile enterocolitis. Identifiers: Orphanet 436166, MedGen C4015067, MONDO:0014472, OMIM 616050.

Submission:

Labcorp Genetics (formerly Invitae), Labcorp
Classification: Uncertain significance for Periodic fever-infantile enterocolitis-autoinflammatory syndrome; Familial cold autoinflammatory syndrome 4. Last evaluated: 2025-04-15. Review status: criteria provided, single submitter. Criteria: Invitae Variant Classification Sherloc (09022015). Collection method: clinical testing. Allele origin: germline.
Comment: This sequence change replaces histidine, which is basic and polar, with glutamine, which is neutral and polar, at codon 744 of the NLRC4 protein (p.His744Gln). This variant is not present in population databases (gnomAD no frequency). This variant has not been reported in the literature in individuals affected with NLRC4-related conditions. ClinVar contains an entry for this variant (Variation ID: 1039137). Invitae Evidence Modeling of protein sequence and biophysical properties (such as structural, functional, and spatial information, amino acid conservation, physicochemical variation, residue mobility, and thermodynamic stability) indicates that this missense variant is not expected to disrupt NLRC4 protein function with a negative predictive value of 80%. In summary, the available evidence is currently insufficient to determine the role of this variant in disease. Therefore, it has been classified as a Variant of Uncertain Significance.

NM_001199138.2(NLRC4):c.2232T>G (p.His744Gln)

Gene: NLRC4 (NLR family CARD domain containing 4; minus strand). Cytogenetic location: 2p22.3.
Variant type: single nucleotide variant.
Coding change: c.2232T>G on transcript NM_001199138.2 (MANE Select); coding-DNA position 2232, T replaced by G.
Protein change: p.His744Gln; replaces histidine 744 with glutamine.
Molecular consequence: missense variant. On other transcripts: intron variant (1).
Genome position (GRCh38, 1-based): chr2:32,249,632, A>C on the plus strand (T>G on the coding strand, the complement: NLRC4 is on the minus strand). VCF-style: chr2-32249632-A-C. GRCh37 (hg19) VCF-style: chr2-32474701-A-C.
Other names: c.2232T>G, p.His744Gln (NM_001199139.2, NM_021209.5); c.262+2787T>G (NM_001302504.1); short protein forms H744Q.
Identifiers: ClinVar variation 1039137 (VCV001039137.8), dbSNP rs745938557, ClinGen allele CA44751140.